The following is an entry in ClinVar:

ClinVar aggregate classification (germline): Pathogenic (1 of 4 stars; one submission).

Conditions:
Fanconi anemia (FA). Also called: Fanconi's anemia. Identifiers: Orphanet 84, MedGen C0015625, MeSH D005199, MONDO:0019391.

Submission:

Labcorp Genetics (formerly Invitae), Labcorp
Classification: Pathogenic for Fanconi anemia. Last evaluated: 2024-10-09. Review status: criteria provided, single submitter. Criteria: Invitae Variant Classification Sherloc (09022015). Collection method: clinical testing. Allele origin: germline.
Comment: This sequence change creates a premature translational stop signal (p.Thr1174Lysfs*26) in the FANCI gene. It is expected to result in an absent or disrupted protein product. Loss-of-function variants in FANCI are known to be pathogenic (PMID: 17452773, 17460694). This variant is not present in population databases (gnomAD no frequency). This variant has not been reported in the literature in individuals affected with FANCI-related conditions. For these reasons, this variant has been classified as Pathogenic.

Literature cited by the submitters: PubMed 17452773; PubMed 17460694.

NM_001113378.2(FANCI):c.3520_3521insAA (p.Thr1174fs)

Gene: FANCI (FA complementation group I; plus strand). Cytogenetic location: 15q26.1.
Variant type: Insertion.
Coding change: c.3520_3521insAA on transcript NM_001113378.2 (MANE Select); coding-DNA positions 3520 to 3521, AA inserted.
Protein change: p.Thr1174fs; shifts the reading frame from threonine 1174.
Molecular consequence: frameshift variant.
Genome position: GRCh38 VCF-style: chr15-89306176-T-TAA. GRCh37 (hg19) VCF-style: chr15-89849407-T-TAA.
Other names: c.3241_3242insAA, p.Thr1081fs (NM_001376910.1); c.3520_3521insAA, p.Thr1174fs (NM_001376911.1); c.3340_3341insAA, p.Thr1114fs (NM_018193.3); short protein forms T1081fs, T1174fs, T1114fs.
Identifiers: ClinVar variation 3722566 (VCV003722566.2).